The following is an entry in ClinVar:

ClinVar aggregate classification (germline): Pathogenic (1 of 4 stars; one submission).

Submission:

Labcorp Genetics (formerly Invitae), Labcorp
Classification: Pathogenic. Last evaluated: 2021-11-24. Review status: criteria provided, single submitter. Criteria: Invitae Variant Classification Sherloc (09022015). Collection method: clinical testing. Allele origin: germline.
Comment: This variant has not been reported in the literature in individuals affected with NEXMIF-related conditions. For these reasons, this variant has been classified as Pathogenic. This variant is not present in population databases (gnomAD no frequency). This sequence change creates a premature translational stop signal (p.Glu667Lysfs*5) in the NEXMIF gene. It is expected to result in an absent or disrupted protein product. Loss-of-function variants in NEXMIF are known to be pathogenic (PMID: 23615299).

Literature cited by the submitters: PubMed 23615299.

NM_001008537.3(NEXMIF):c.1999del (p.Glu667fs)

Gene: NEXMIF (neurite extension and migration factor; minus strand). Cytogenetic location: Xq13.3.
Variant type: Deletion.
Coding change: c.1999del on transcript NM_001008537.3 (MANE Select); coding-DNA position 1999, one base deleted (G; older notation c.1999delG).
Protein change: p.Glu667fs; shifts the reading frame from glutamic acid 667.
Molecular consequence: frameshift variant.
Genome position (GRCh38, 1-based): chrX:74,742,558, C deleted on the plus strand (G on the coding strand, the reverse complement: NEXMIF is on the minus strand). VCF-style (leftmost placement, unchanged base first): chrX-74742557-TC-T. GRCh37 (hg19) VCF-style: chrX-73962392-TC-T.
Other names: short protein forms E667fs.
Identifiers: ClinVar variation 2135966 (VCV002135966.4), dbSNP rs2519914649, ClinGen allele CA2580101507.